The following is an entry in ClinVar:

ClinVar aggregate classification (germline): Conflicting classifications of pathogenicity. Review status: criteria provided, conflicting classifications (1 of 4 stars). 2 submissions from 2 submitters: Uncertain significance (1); Likely benign (1). Last evaluated 2024-10-08.

Conditions:
Cardiovascular phenotype. Identifiers: MedGen CN230736.

Allele frequency attached by ClinVar (database versions not stated): gnomAD exomes below 0.00001; gnomAD 0.00001.
gnomAD v4.1: 2 of 1,611,924 alleles (0.00012%); highest among the groups gnomAD compares: Non-Finnish European, 0.000085%; no homozygotes.

Submissions (2):

GeneDx
Classification: Uncertain significance. Last evaluated: 2024-10-08. Review status: criteria provided, single submitter. Criteria: GeneDx Variant Classification Process June 2021. Collection method: clinical testing. Allele origin: germline. Affected: yes.
Comment: Not observed at significant frequency in large population cohorts (gnomAD); In silico analysis indicates that this missense variant does not alter protein structure/function; Has not been previously published as pathogenic or benign to our knowledge

Ambry Genetics
Classification: Likely benign for Cardiovascular phenotype. Last evaluated: 2021-11-28. Review status: criteria provided, single submitter. Criteria: Ambry Variant Classification Scheme 2023. Collection method: clinical testing. Allele origin: germline.

NM_014391.3(ANKRD1):c.299G>A (p.Arg100Lys)

Gene: ANKRD1 (ankyrin repeat domain 1; minus strand). Cytogenetic location: 10q23.31.
Variant type: single nucleotide variant.
Coding change: c.299G>A on transcript NM_014391.3 (MANE Select); coding-DNA position 299, G replaced by A.
Protein change: p.Arg100Lys; replaces arginine 100 with lysine.
Molecular consequence: missense variant.
Genome position (GRCh38, 1-based): chr10:90,919,177, C>T on the plus strand (G>A on the coding strand, the complement: ANKRD1 is on the minus strand). VCF-style: chr10-90919177-C-T. GRCh37 (hg19) VCF-style: chr10-92678934-C-T.
Other names: short protein forms R100K.
Identifiers: ClinVar variation 1798614 (VCV001798614.3), dbSNP rs866997710, ClinGen allele CA211424881.
Genomic context (GRCh38, chr10:90,919,177, plus strand): 5'-AAAAAAGCCCTTACAATGATTTCAGGTTCTGGTTCCTTTACAACTGGAACTTTAGTTTTC[C>T]TGTATTTTTTCCTTTTCTTCAGTTGAATGATTATTTCAAGGTCTTCTAAATTTTCAAGCT-3'
Protein context (NP_055206.2, residues 90-110): IIQLKKRKKY[Arg100Lys]KTKVPVVKEP